The following is an entry in ClinVar:

ClinVar aggregate classification (germline): Conflicting classifications of pathogenicity. Review status: criteria provided, conflicting classifications (1 of 4 stars). 2 submissions from 2 submitters: Uncertain significance (1); Benign (1). Last evaluated 2025-04-16.

Allele frequency attached by ClinVar (database versions not stated): 1000 Genomes Project 30x 0.00094; ExAC 0.00096; 1000 Genomes Project 0.00100; TOPMed 0.00109; gnomAD 0.00113; ESP Exome Variant Server 0.00169; gnomAD exomes 0.00185.
gnomAD v4.1: 2,847 of 1,614,208 alleles (0.18%); highest among the groups gnomAD compares: Non-Finnish European, 0.23%; 4 homozygotes.

Submissions (2):

Ambry Genetics
Classification: Uncertain significance. Last evaluated: 2025-04-16. Review status: criteria provided, single submitter. Criteria: Ambry Variant Classification Scheme 2023. Collection method: clinical testing. Allele origin: germline.

CeGaT Center for Human Genetics Tuebingen
Classification: Benign. Last evaluated: 2024-04-01. Review status: criteria provided, single submitter. Criteria: CeGaT Center For Human Genetics Tuebingen Variant Classification Criteria Version 2. Collection method: clinical testing. Allele origin: germline. Affected: yes. Observed: 2 variant alleles.
Comment: NPAP1: BP4, BS1, BS2

NM_018958.3(NPAP1):c.3302G>A (p.Gly1101Asp)

Gene: NPAP1 (nuclear pore associated protein 1; plus strand). Cytogenetic location: 15q11.2.
Variant type: single nucleotide variant.
Coding change: c.3302G>A on transcript NM_018958.3 (MANE Select); coding-DNA position 3302, G replaced by A.
Protein change: p.Gly1101Asp; replaces glycine 1101 with aspartic acid.
Molecular consequence: missense variant.
Genome position (GRCh38, 1-based): chr15:24,679,169, G>A. VCF-style: chr15-24679169-G-A. GRCh37 (hg19) VCF-style: chr15-24924316-G-A.
Other names: c.3302G>A (NM_018958.2); short protein forms G1101D.
Identifiers: ClinVar variation 2645009 (VCV002645009.24), dbSNP rs146375975, ClinGen allele CA7431083.